The following is an entry in ClinVar:

ClinVar aggregate classification (germline): Uncertain significance (1 of 4 stars; one submission).

Conditions:
Dilated cardiomyopathy 1O (CMD1O). Also called: CARDIOMYOPATHY, DILATED, WITH VENTRICULAR TACHYCARDIA. Identifiers: Orphanet 154, MedGen C1837839, MONDO:0012062, OMIM 608569.

Allele frequency attached by ClinVar (database versions not stated): gnomAD 0.00001; TOPMed 0.00001.
gnomAD v4.1: 3 of 1,613,568 alleles (0.00019%); highest among the groups gnomAD compares: Non-Finnish European, 0.00025%; no homozygotes.

Submission:

Labcorp Genetics (formerly Invitae), Labcorp
Classification: Uncertain significance for Dilated cardiomyopathy 1O. Last evaluated: 2024-01-03. Review status: criteria provided, single submitter. Criteria: Invitae Variant Classification Sherloc (09022015). Collection method: clinical testing. Allele origin: germline.
Comment: This sequence change replaces alanine, which is neutral and non-polar, with threonine, which is neutral and polar, at codon 549 of the ABCC9 protein (p.Ala549Thr). This variant is not present in population databases (gnomAD no frequency). This variant has not been reported in the literature in individuals affected with ABCC9-related conditions. Advanced modeling of protein sequence and biophysical properties (such as structural, functional, and spatial information, amino acid conservation, physicochemical variation, residue mobility, and thermodynamic stability) has been performed at Invitae for this missense variant, however the output from this modeling did not meet the statistical confidence thresholds required to predict the impact of this variant on ABCC9 protein function. In summary, the available evidence is currently insufficient to determine the role of this variant in disease. Therefore, it has been classified as a Variant of Uncertain Significance.

NM_020297.4(ABCC9):c.1645G>A (p.Ala549Thr)

Gene: ABCC9 (ATP binding cassette subfamily C member 9; minus strand). Cytogenetic location: 12p12.1.
Variant type: single nucleotide variant.
Coding change: c.1645G>A on transcript NM_020297.4 (MANE Select); coding-DNA position 1645, G replaced by A.
Protein change: p.Ala549Thr; replaces alanine 549 with threonine.
Molecular consequence: missense variant.
Genome position (GRCh38, 1-based): chr12:21,895,289, C>T on the plus strand (G>A on the coding strand, the complement: ABCC9 is on the minus strand). VCF-style: chr12-21895289-C-T. GRCh37 (hg19) VCF-style: chr12-22048223-C-T.
Other names: c.1645G>A, p.Ala549Thr (NM_001377273.1, NM_005691.4); c.781G>A, p.Ala261Thr (NM_001377274.1); short protein forms A261T, A549T.
Identifiers: ClinVar variation 3003199 (VCV003003199.3), dbSNP rs1045531648, ClinGen allele CA233627083.